The following is an entry in ClinVar:

NM_014714.4(IFT140):c.1330A>G (p.Met444Val)

Genes: IFT140 (intraflagellar transport 140; minus strand), LOC105371046 (uncharacterized LOC105371046; plus strand). Cytogenetic location: 16p13.3.
Variant type: single nucleotide variant.
Coding change: c.1330A>G on transcript NM_014714.4 (MANE Select); coding-DNA position 1330, A replaced by G.
Protein change: p.Met444Val; replaces methionine 444 with valine.
Molecular consequence: missense variant.
Genome position (GRCh38, 1-based): chr16:1,584,246, T>C on the plus strand (A>G on the coding strand, the complement: IFT140 is on the minus strand). VCF-style: chr16-1584246-T-C. GRCh37 (hg19) VCF-style: chr16-1634247-T-C.
Other names: short protein forms M444V.
Identifiers: ClinVar variation 1004201 (VCV001004201.4), dbSNP rs749322722, ClinGen allele CA7814365.

ClinVar aggregate classification (germline): Uncertain significance. Review status: criteria provided, multiple submitters, no conflicts (2 of 4 stars). 2 submissions from 2 submitters: Uncertain significance (2). Last evaluated 2025-09-21.

Conditions:
Saldino-Mainzer syndrome (SRTD9). Also called: CONORENAL SYNDROME; Renal dysplasia, retinal pigmentary dystrophy, cerebellar ataxia and skeletal dysplasia; short-rib thoracic dysplasia 9 with or without polydactyly; SHORT-RIB THORACIC DYSPLASIA 9 WITHOUT POLYDACTYLY. Identifiers: Orphanet 140969, MedGen C1849437, MONDO:0009964, OMIM 266920.

Allele frequency attached by ClinVar (database versions not stated): ExAC 0.00001; TOPMed 0.00001; gnomAD exomes 0.00002; gnomAD 0.00003.
gnomAD v4.1: 24 of 1,613,710 alleles (0.0015%); highest among the groups gnomAD compares: Non-Finnish European, 0.0019%; no homozygotes.

Submissions (2):

Labcorp Genetics (formerly Invitae), Labcorp
Classification: Uncertain significance for Saldino-Mainzer syndrome. Last evaluated: 2025-09-21. Review status: criteria provided, single submitter. Criteria: Invitae Variant Classification Sherloc (09022015). Collection method: clinical testing. Allele origin: germline.
Comment: This sequence change replaces methionine, which is neutral and non-polar, with valine, which is neutral and non-polar, at codon 444 of the IFT140 protein (p.Met444Val). This variant is present in population databases (rs749322722, gnomAD 0.004%). This missense change has been observed in individual(s) with autosomal dominant polycystic kidney disease (PMID: 36573973). ClinVar contains an entry for this variant (Variation ID: 1004201). Invitae Evidence Modeling of protein sequence and biophysical properties (such as structural, functional, and spatial information, amino acid conservation, physicochemical variation, residue mobility, and thermodynamic stability) indicates that this missense variant is not expected to disrupt IFT140 protein function with a negative predictive value of 95%. In summary, the available evidence is currently insufficient to determine the role of this variant in disease. Therefore, it has been classified as a Variant of Uncertain Significance.

Blueprint Genetics
Classification: Uncertain significance. Last evaluated: 2022-01-28. Review status: criteria provided, single submitter. Criteria: ACMG Guidelines, 2015. Collection method: clinical testing. Allele origin: germline.

Literature cited by the submitters: PubMed 36573973 (cited by Labcorp Genetics (formerly Invitae), Labcorp).